The following is an entry in ClinVar:

ClinVar aggregate classification (germline): Uncertain significance (1 of 4 stars; one submission).

Allele frequency attached by ClinVar (database versions not stated): ExAC 0.00001; gnomAD 0.00001; TOPMed 0.00001.
gnomAD v4.1: 21 of 1,613,902 alleles (0.0013%); highest among the groups gnomAD compares: East Asian, 0.0022%; no homozygotes.

Submission:

Labcorp Genetics (formerly Invitae), Labcorp
Classification: Uncertain significance. Last evaluated: 2025-11-17. Review status: criteria provided, single submitter. Criteria: Invitae Variant Classification Sherloc (09022015). Collection method: clinical testing. Allele origin: germline.
Comment: This sequence change replaces arginine, which is basic and polar, with glutamine, which is neutral and polar, at codon 547 of the KIAA0753 protein (p.Arg547Gln). This variant is present in population databases (rs748721188, gnomAD 0.002%). This variant has not been reported in the literature in individuals affected with KIAA0753-related conditions. ClinVar contains an entry for this variant (Variation ID: 2065683). An algorithm developed to predict the effect of missense changes on protein structure and function outputs the following: PolyPhen-2: "Benign". The glutamine amino acid residue is found in multiple mammalian species, which suggests that this missense change does not adversely affect protein function. In summary, the available evidence is currently insufficient to determine the role of this variant in disease. Therefore, it has been classified as a Variant of Uncertain Significance.

NM_014804.3(KIAA0753):c.1640G>A (p.Arg547Gln)

Gene: KIAA0753 (KIAA0753; minus strand). Cytogenetic location: 17p13.1.
Variant type: single nucleotide variant.
Coding change: c.1640G>A on transcript NM_014804.3 (MANE Select); coding-DNA position 1640, G replaced by A.
Protein change: p.Arg547Gln; replaces arginine 547 with glutamine.
Molecular consequence: missense variant. On other transcripts: non-coding transcript variant (3).
Genome position (GRCh38, 1-based): chr17:6,610,066, C>T on the plus strand (G>A on the coding strand, the complement: KIAA0753 is on the minus strand). VCF-style: chr17-6610066-C-T. GRCh37 (hg19) VCF-style: chr17-6513386-C-T.
Other names: c.743G>A, p.Arg248Gln (NM_001351225.2); short protein forms R248Q, R547Q.
Identifiers: ClinVar variation 2065683 (VCV002065683.3), dbSNP rs748721188, ClinGen allele CA8330422.